The following is an entry in ClinVar:

NM_000043.6(FAS):c.688dup (p.Ser230fs)

Gene: FAS (Fas cell surface death receptor; plus strand). Cytogenetic location: 10q23.31.
Variant type: Duplication.
Coding change: c.688dup on transcript NM_000043.6 (MANE Select); coding-DNA position 688, one base duplicated (A; older notation c.688dupA).
Protein change: p.Ser230fs; shifts the reading frame from serine 230.
Molecular consequence: frameshift variant. On other transcripts: 3 prime UTR variant (1), synonymous variant (1), non-coding transcript variant (7).
Genome position (GRCh38, 1-based): chr10:89,014,130, A duplicated. VCF-style (leftmost placement, unchanged base first): chr10-89014129-G-GA. GRCh37 (hg19) VCF-style: chr10-90773886-G-GA.
Other names: c.*11dup (NM_001320619.2); c.733dup, p.Ser245fs (NM_001410956.1); c.625dup, p.Ser209fs (NM_152871.4); c.663dup, p.Ter221= (NM_152872.4); short protein forms S209fs, S230fs, S245fs.
Identifiers: ClinVar variation 4875086 (VCV004875086.2).

ClinVar aggregate classification (germline): Likely pathogenic (1 of 4 stars; one submission).

Submission:

CeGaT Center for Human Genetics Tuebingen
Classification: Likely pathogenic. Last evaluated: 2026-05-01. Review status: criteria provided, single submitter. Criteria: CeGaT Center For Human Genetics Tuebingen Variant Classification Criteria Version 2. Collection method: clinical testing. Allele origin: germline. Affected: yes. Observed: 1 variant allele.
Comment: FAS: PVS1:Strong, PM2, PP4:Moderate